The following is an entry in ClinVar:

NM_033641.4(COL4A6):c.2332T>C (p.Ser778Pro)

Gene: COL4A6 (collagen type IV alpha 6 chain; minus strand). Cytogenetic location: Xq22.3.
Variant type: single nucleotide variant.
Coding change: c.2332T>C on transcript NM_033641.4 (MANE Select); coding-DNA position 2332, T replaced by C.
Protein change: p.Ser778Pro; replaces serine 778 with proline.
Molecular consequence: missense variant.
Genome position (GRCh38, 1-based): chrX:108,179,238, A>G on the plus strand (T>C on the coding strand, the complement: COL4A6 is on the minus strand). VCF-style: chrX-108179238-A-G. GRCh37 (hg19) VCF-style: chrX-107422468-A-G.
Other names: c.2383T>C, p.Ser795Pro (NM_001287758.2); c.2332T>C, p.Ser778Pro (NM_001287759.2, NM_001287760.2); c.2335T>C, p.Ser779Pro (NM_001847.4); short protein forms S778P, S779P, S795P.
Identifiers: ClinVar variation 3495537 (VCV003495537.3).
Genomic context (GRCh38, chrX:108,179,238, plus strand): 5'-TTCTGTAGATTGTTAAATAATTGGGGCAAAAAGATTCACCCTTGAGTCCTGGAAGGCCAG[A>G]GTCTCCAAGAAATCCTTTGTGCCCTGTTAATCCTTGTAGGCCTTGTTCCCCCGGAGCACC-3'
Protein context (NP_378667.1, residues 768-788): LTGHKGFLGD[Ser778Pro]GLPGLKGVHG

ClinVar aggregate classification (germline): Uncertain significance. Review status: criteria provided, multiple submitters, no conflicts (2 of 4 stars). 2 submissions from 2 submitters: Uncertain significance (2). Last evaluated 2024-09-10.

gnomAD v4.1: 2 of 1,211,122 alleles (0.00017%); highest among the groups gnomAD compares: Admixed American, 0.0022%; no homozygotes.

Submissions (2):

Ambry Genetics
Classification: Uncertain significance. Last evaluated: 2024-09-10. Review status: criteria provided, single submitter. Criteria: Ambry Variant Classification Scheme 2023. Collection method: clinical testing. Allele origin: germline.

Labcorp Genetics (formerly Invitae), Labcorp
Classification: Uncertain significance. Last evaluated: 2024-08-11. Review status: criteria provided, single submitter. Criteria: Invitae Variant Classification Sherloc (09022015). Collection method: clinical testing. Allele origin: germline.
Comment: This sequence change replaces serine, which is neutral and polar, with proline, which is neutral and non-polar, at codon 779 of the COL4A6 protein (p.Ser779Pro). This variant is present in population databases (no rsID available, gnomAD 0.004%). This variant has not been reported in the literature in individuals affected with COL4A6-related conditions. Advanced modeling of protein sequence and biophysical properties (such as structural, functional, and spatial information, amino acid conservation, physicochemical variation, residue mobility, and thermodynamic stability) performed at Invitae indicates that this missense variant is not expected to disrupt COL4A6 protein function with a negative predictive value of 80%. In summary, the available evidence is currently insufficient to determine the role of this variant in disease. Therefore, it has been classified as a Variant of Uncertain Significance.